The following is an entry in ClinVar:

ClinVar aggregate classification (germline): Uncertain significance (1 of 4 stars; one submission).

Allele frequency attached by ClinVar (database versions not stated): TOPMed 0.00001.

Submission:

Labcorp Genetics (formerly Invitae), Labcorp
Classification: Uncertain significance. Last evaluated: 2025-01-20. Review status: criteria provided, single submitter. Criteria: Invitae Variant Classification Sherloc (09022015). Collection method: clinical testing. Allele origin: germline.
Comment: This sequence change replaces glutamic acid, which is acidic and polar, with lysine, which is basic and polar, at codon 190 of the LPL protein (p.Glu190Lys). This variant is not present in population databases (gnomAD no frequency). This missense change has been observed in individual(s) with clinical features of LPL-related conditions (internal data). ClinVar contains an entry for this variant (Variation ID: 2992928). Invitae Evidence Modeling of protein sequence and biophysical properties (such as structural, functional, and spatial information, amino acid conservation, physicochemical variation, residue mobility, and thermodynamic stability) indicates that this missense variant is expected to disrupt LPL protein function with a positive predictive value of 80%. This variant disrupts the p.Glu190 amino acid residue in LPL. Other variant(s) that disrupt this residue have been observed in individuals with LPL-related conditions (PMID: 8956052; internal data), which suggests that this may be a clinically significant amino acid residue. In summary, the available evidence is currently insufficient to determine the role of this variant in disease. Therefore, it has been classified as a Variant of Uncertain Significance.

Literature cited by the submitters: PubMed 8956052.

NM_000237.3(LPL):c.568G>A (p.Glu190Lys)

Gene: LPL (lipoprotein lipase; plus strand). Cytogenetic location: 8p21.3.
Variant type: single nucleotide variant.
Coding change: c.568G>A on transcript NM_000237.3 (MANE Select); coding-DNA position 568, G replaced by A.
Protein change: p.Glu190Lys; replaces glutamic acid 190 with lysine.
Molecular consequence: missense variant.
Genome position (GRCh38, 1-based): chr8:19,954,146, G>A. VCF-style: chr8-19954146-G-A. GRCh37 (hg19) VCF-style: chr8-19811657-G-A.
Other names: short protein forms E190K.
Identifiers: ClinVar variation 2992928 (VCV002992928.3), dbSNP rs1414157603, ClinGen allele CA370468308.
Genomic context (GRCh38, chr8:19,954,146, plus strand): 5'-ACAAATCTGTGTTCCTGCTTTTTTCCCTTTTAAGGCCTCGATCCAGCTGGACCTAACTTT[G>A]AGTATGCAGAAGCCCCGAGTCGTCTTTCTCCTGATGATGCAGATTTTGTAGACGTCTTAC-3'
Protein context (NP_000228.1, residues 180-200): TGLDPAGPNF[Glu190Lys]YAEAPSRLSP